The following is an entry in ClinVar:

ClinVar aggregate classification (germline): Uncertain significance (1 of 4 stars; one submission).

Submission:

Ambry Genetics
Classification: Uncertain significance. Last evaluated: 2022-10-19. Review status: criteria provided, single submitter. Criteria: Ambry Variant Classification Scheme 2023. Collection method: clinical testing. Allele origin: germline.
Comment: The p.V488L variant (also known as c.1462G>C), located in coding exon 10 of the RINT1 gene, results from a G to C substitution at nucleotide position 1462. The valine at codon 488 is replaced by leucine, an amino acid with highly similar properties. This amino acid position is conserved. In addition, the in silico prediction for this alteration is inconclusive. Since supporting evidence is limited at this time, the clinical significance of this alteration remains unclear.

NM_021930.6(RINT1):c.1462G>C (p.Val488Leu)

Gene: RINT1 (RAD50 interactor 1; plus strand). Cytogenetic location: 7q22.3.
Variant type: single nucleotide variant.
Coding change: c.1462G>C on transcript NM_021930.6 (MANE Select); coding-DNA position 1462, G replaced by C.
Protein change: p.Val488Leu; replaces valine 488 with leucine.
Molecular consequence: missense variant. On other transcripts: non-coding transcript variant (1).
Genome position (GRCh38, 1-based): chr7:105,551,698, G>C. VCF-style: chr7-105551698-G-C. GRCh37 (hg19) VCF-style: chr7-105192145-G-C.
Other names: c.1228G>C, p.Val410Leu (NM_001346599.2); c.439G>C, p.Val147Leu (NM_001346600.2, NM_001346603.2); c.538G>C, p.Val180Leu (NM_001346601.2); short protein forms V180L, V147L, V410L, V488L.
Identifiers: ClinVar variation 1773189 (VCV001773189.2), dbSNP rs1586243751, ClinGen allele CA368810577.